The following is an entry in ClinVar:

ClinVar aggregate classification (germline): Conflicting classifications of pathogenicity. Review status: criteria provided, conflicting classifications (1 of 4 stars). 8 submissions from 8 submitters: Uncertain significance (5); Likely benign (3). Last evaluated 2025-11-23.

Conditions:
Hereditary cancer-predisposing syndrome. Also called: Tumor predisposition; Hereditary neoplastic syndrome; Hereditary Cancer Syndrome; Neoplastic Syndromes, Hereditary. Identifiers: Orphanet 140162, MedGen C0027672, MeSH D009386, MONDO:0015356.
Hereditary breast ovarian cancer syndrome. Also called: Hereditary breast and/or ovarian cancer syndrome; Breast and ovarian cancer; Hereditary breast and ovarian cancer syndrome; Hereditary breast and ovarian cancer; Hereditary breast and ovarian cancer syndrome (HBOC); BRCA1- and BRCA2-Associated Hereditary Breast and Ovarian Cancer. Identifiers: Orphanet 145, MedGen C0677776, MeSH D061325, MONDO:0003582. Disease mechanism: loss of function.
Breast-ovarian cancer, familial, susceptibility to, 1 (BROVCA1). Also called: BRCA1 Hereditary Breast and Ovarian Cancer; OVARIAN CANCER, SUSCEPTIBILITY TO. Identifiers: Orphanet 145, MedGen C2676676, MONDO:0011450, OMIM 604370. Disease mechanism: loss of function.

Allele frequency attached by ClinVar (database versions not stated): ExAC 0.00001; gnomAD exomes 0.00001; TOPMed 0.00002; ESP Exome Variant Server 0.00008.
gnomAD v4.1: 5 of 1,614,040 alleles (0.00031%); highest among the groups gnomAD compares: African/African-American, 0.0067%; no homozygotes.

Submissions (8):

Labcorp Genetics (formerly Invitae), Labcorp
Classification: Uncertain significance for Hereditary breast ovarian cancer syndrome. Last evaluated: 2025-11-23. Review status: criteria provided, single submitter. Criteria: Invitae Variant Classification Sherloc (09022015). Collection method: clinical testing. Allele origin: germline.
Comment: This sequence change replaces glutamic acid, which is acidic and polar, with aspartic acid, which is acidic and polar, at codon 1250 of the BRCA1 protein (p.Glu1250Asp). This variant is present in population databases (rs145903082, gnomAD 0.01%). This missense change has been observed in individual(s) with clinical features of HBOC syndrome (PMID: 34326862). ClinVar contains an entry for this variant (Variation ID: 141786). Invitae Evidence Modeling of protein sequence and biophysical properties (such as structural, functional, and spatial information, amino acid conservation, physicochemical variation, residue mobility, and thermodynamic stability) indicates that this missense variant is not expected to disrupt BRCA1 protein function with a negative predictive value of 80%. In summary, the available evidence is currently insufficient to determine the role of this variant in disease. Therefore, it has been classified as a Variant of Uncertain Significance.

Ambry Genetics
Classification: Uncertain significance for Hereditary cancer-predisposing syndrome. Last evaluated: 2025-09-09. Review status: criteria provided, single submitter. Criteria: Ambry Variant Classification Scheme 2023. Collection method: clinical testing. Allele origin: germline.
Comment: The p.E1250D variant (also known as c.3750G>C), located in coding exon 9 of the BRCA1 gene, results from a G to C substitution at nucleotide position 3750. The glutamic acid at codon 1250 is replaced by aspartic acid, an amino acid with highly similar properties. This amino acid position is not well conserved in available vertebrate species. In addition, the in silico prediction for this alteration is inconclusive. Since supporting evidence is limited at this time, the clinical significance of this alteration remains unclear.

Women's Health and Genetics/Laboratory Corporation of America, LabCorp
Classification: Uncertain significance. Last evaluated: 2025-07-24. Review status: criteria provided, single submitter. Criteria: LabCorp Variant Classification Summary - May 2015. Collection method: clinical testing. Allele origin: germline.
Comment: Variant summary: BRCA1 c.3750G>C (p.Glu1250Asp) results in a conservative amino acid change in the encoded protein sequence. Algorithms developed to predict the effect of missense changes on protein structure and function all suggest that this variant is likely to be tolerated. The variant allele was found at a frequency of 8e-06 in 251270 control chromosomes. The available data on variant occurrences in the general population are insufficient to allow any conclusion about variant significance. c.3750G>C has been observed in one individual affected with Bilateral Breast Cancer (Bhai_2021). These report(s) do not provide unequivocal conclusions about association of the variant with Hereditary Breast And Ovarian Cancer Syndrome. Co-occurrences with other pathogenic variant(s) have been reported (BRCA1 exon 17-18 dup), providing supporting evidence for a benign role. To our knowledge, no experimental evidence demonstrating an impact on protein function has been reported. The following publication has been ascertained in the context of this evaluation (PMID: 34326862). ClinVar contains an entry for this variant (Variation ID: 141786). Based on the evidence outlined above, the variant was classified as VUS-possibly benign.

GeneDx
Classification: Uncertain significance. Last evaluated: 2025-06-08. Review status: criteria provided, single submitter. Criteria: GeneDx Variant Classification Process June 2021. Collection method: clinical testing. Allele origin: germline. Affected: yes.
Comment: Observed in a patient with ovarian cancer (PMID: 34326862); Not observed at significant frequency in large population cohorts (gnomAD); In silico analysis suggests that this missense variant does not alter protein structure/function; Also known as 3869G>C; This variant is associated with the following publications: (PMID: 34326862, 31853058)

Quest Diagnostics Nichols Institute San Juan Capistrano
Classification: Uncertain significance. Last evaluated: 2025-03-20. Review status: criteria provided, single submitter. Criteria: Quest Diagnostics criteria. Collection method: clinical testing. Allele origin: unknown.
Comment: The BRCA1 c.3750G>C (p.Glu1250Asp) variant has been reported in the published literature in an individual with breast cancer (PMID: 34326862 (2021)). This variant has also been reported to be located in a region of the BRCA1 gene that is tolerant to missense sequence changes (PMID: 31911673 (2020)). The frequency of this variant in the general population (Genome Aggregation Database) is uninformative in the assessment of its pathogenicity. Analysis of this variant using bioinformatics tools for the prediction of the effect of amino acid changes on protein structure and function yielded predictions that this variant is benign. Based on the available information, we are unable to determine the clinical significance of this variant.

All of Us Research Program, National Institutes of Health
Classification: Likely benign for Breast-ovarian cancer, familial, susceptibility to, 1. Last evaluated: 2023-11-02. Review status: criteria provided, single submitter. Criteria: ACMG Guidelines, 2015. Collection method: clinical testing. Allele origin: germline. Inheritance: Autosomal dominant inheritance. Observed: 1 variant allele, 1 heterozygote.
Comment: This study involves interpretation of variants in research participants for the purpose of population health screening. Participant phenotype was not available at the time of variant classification. Additional details can be found in publication PMID: 35346344, PMCID: PMC8962531

University of Washington Department of Laboratory Medicine, University of Washington
Classification: Likely benign for Hereditary cancer-predisposing syndrome. Last evaluated: 2023-03-23. Review status: criteria provided, single submitter. Criteria: Dines et al. (Genet Med. 2020). Collection method: curation. Allele origin: germline.
Comment: Missense variant in a coldspot region where missense variants are very unlikely to be pathogenic (PMID:31911673).

BRCA1 coldspot (exon 11 using historical exon numbering). Reclassification based on statistical prior probability

Color Diagnostics, LLC DBA Color Health
Classification: Likely benign for Hereditary cancer-predisposing syndrome. Last evaluated: 2016-12-05. Review status: criteria provided, single submitter. Criteria: ACMG Guidelines, 2015. Collection method: clinical testing. Allele origin: germline.

Literature cited by the submitters: PubMed 34326862 (cited by 3 submitters); PubMed 31911673 (cited by Quest Diagnostics Nichols Institute San Juan Capistrano); PubMed 31853058 (cited by Quest Diagnostics Nichols Institute San Juan Capistrano).

NM_007294.4(BRCA1):c.3750G>C (p.Glu1250Asp)

Genes: BRCA1 (BRCA1 DNA repair associated; minus strand), LOC126862571 (BRD4-independent group 4 enhancer GRCh37_chr17:41243136-41244335; plus strand). Cytogenetic location: 17q21.31.
Variant type: single nucleotide variant.
Coding change: c.3750G>C on transcript NM_007294.4 (MANE Select); coding-DNA position 3750, G replaced by C.
Protein change: p.Glu1250Asp; replaces glutamic acid 1250 with aspartic acid.
Molecular consequence: missense variant. On other transcripts: intron variant (135).
Genome position (GRCh38, 1-based): chr17:43,091,781, C>G on the plus strand (G>C on the coding strand, the complement: BRCA1 is on the minus strand). VCF-style: chr17-43091781-C-G. GRCh37 (hg19) VCF-style: chr17-41243798-C-G.
Other names: p.E1250D:GAG>GAC; c.3540G>C, p.Glu1180Asp (NM_001407882.1, NM_001407884.1, NM_001407885.1 and 13 more transcripts); c.3537G>C, p.Glu1179Asp (NM_001407894.1, NM_001407895.1, NM_001407896.1 and 9 more transcripts); c.3627G>C, p.Glu1209Asp (NM_001407919.1, NM_001407937.1, NM_001407938.1 and 19 more transcripts); c.3486G>C, p.Glu1162Asp (NM_001407920.1, NM_001407921.1, NM_001407922.1 and 9 more transcripts); c.3483G>C, p.Glu1161Asp (NM_001407930.1, NM_001407931.1, NM_001407932.1 and 2 more transcripts); c.3624G>C, p.Glu1208Asp (NM_001407940.1, NM_001407941.1, NM_001407649.1 and 11 more transcripts); c.3609G>C, p.Glu1203Asp (NM_001407942.1, NM_001407944.1, NM_001407945.1 and 29 more transcripts); and 42 more; short protein forms E1250D, E1203D, E1138D, E1139D, E1161D, E1224D, E1249D, E1182D.
Identifiers: ClinVar variation 141786 (VCV000141786.27), dbSNP rs145903082, ClinGen allele CA002403.
Genomic context (GRCh38, chr17:43,091,781, plus strand): 5'-GCAGTCATTTAAGCTATTCTTCAATGATAATAAATTCTCCTCTGTGTTCTTAGACAGACA[C>G]TCGGTAGCAACGGTGCTATGCCTAGTAGACTGAGAAGGTATATTGTTTACTTTACCAAAT-3'
Protein context (NP_009225.1, residues 1240-1260): QSTRHSTVAT[Glu1250Asp]CLSKNTEENL